The following is an entry in ClinVar:

NM_001365951.3(KIF1B):c.3379A>G (p.Ser1127Gly)

Gene: KIF1B (kinesin family member 1B; plus strand). Cytogenetic location: 1p36.22.
Variant type: single nucleotide variant.
Coding change: c.3379A>G on transcript NM_001365951.3 (MANE Select); coding-DNA position 3379, A replaced by G.
Protein change: p.Ser1127Gly; replaces serine 1127 with glycine.
Molecular consequence: missense variant.
Genome position (GRCh38, 1-based): chr1:10,337,490, A>G. VCF-style: chr1-10337490-A-G. GRCh37 (hg19) VCF-style: chr1-10397548-A-G.
Other names: c.3379A>G, p.Ser1127Gly (NM_001365952.1); c.3241A>G, p.Ser1081Gly (NM_015074.3); short protein forms S1081G, S1127G.
Identifiers: ClinVar variation 2906812 (VCV002906812.4), dbSNP rs2521722183, ClinGen allele CA338340652.

ClinVar aggregate classification (germline): Uncertain significance. Review status: criteria provided, multiple submitters, no conflicts (2 of 4 stars). 2 submissions from 2 submitters: Uncertain significance (2). Last evaluated 2023-11-24.

Conditions:
Charcot-Marie-Tooth disease type 2. Also called: Charcot-Marie-Tooth type 2. Identifiers: Orphanet 64746, MedGen C0270914, MONDO:0018993.

Allele frequency attached by ClinVar (database versions not stated): gnomAD exomes below 0.00001.
gnomAD v4.1: 3 of 1,614,224 alleles (0.00019%); highest among the groups gnomAD compares: Non-Finnish European, 0.00017%; no homozygotes.

Submissions (2):

Ambry Genetics
Classification: Uncertain significance. Last evaluated: 2023-11-24. Review status: criteria provided, single submitter. Criteria: Ambry Variant Classification Scheme 2023. Collection method: clinical testing. Allele origin: germline.
Comment: The p.S1081G variant (also known as c.3241A>G), located in coding exon 28 of the KIF1B gene, results from an A to G substitution at nucleotide position 3241. The serine at codon 1081 is replaced by glycine, an amino acid with similar properties. This amino acid position is conserved. In addition, this alteration is predicted to be tolerated by in silico analysis. Since supporting evidence is limited at this time, the clinical significance of this alteration remains unclear.

Labcorp Genetics (formerly Invitae), Labcorp
Classification: Uncertain significance for Charcot-Marie-Tooth disease type 2. Last evaluated: 2023-05-09. Review status: criteria provided, single submitter. Criteria: Invitae Variant Classification Sherloc (09022015). Collection method: clinical testing. Allele origin: germline.
Comment: In summary, the available evidence is currently insufficient to determine the role of this variant in disease. Therefore, it has been classified as a Variant of Uncertain Significance. An algorithm developed to predict the effect of missense changes on protein structure and function (PolyPhen-2) suggests that this variant is likely to be tolerated. This variant has not been reported in the literature in individuals affected with KIF1B-related conditions. This variant is not present in population databases (gnomAD no frequency). This sequence change replaces serine, which is neutral and polar, with glycine, which is neutral and non-polar, at codon 1081 of the KIF1B protein (p.Ser1081Gly).